The following is an entry in ClinVar:

ClinVar aggregate classification (germline): Uncertain significance. Review status: criteria provided, multiple submitters, no conflicts (2 of 4 stars). 2 submissions from 2 submitters: Uncertain significance (2). Last evaluated 2025-01-21.

Conditions:
Tuberous sclerosis 2 (TSC2). Identifiers: Orphanet 805, MedGen C1860707, MONDO:0013199, OMIM 613254.
Hereditary cancer-predisposing syndrome. Also called: Hereditary neoplastic syndrome; Tumor predisposition; Neoplastic Syndromes, Hereditary; Hereditary Cancer Syndrome. Identifiers: Orphanet 140162, MedGen C0027672, MeSH D009386, MONDO:0015356.

Submissions (2):

Labcorp Genetics (formerly Invitae), Labcorp
Classification: Uncertain significance for Tuberous sclerosis 2. Last evaluated: 2025-01-21. Review status: criteria provided, single submitter. Criteria: Invitae Variant Classification Sherloc (09022015). Collection method: clinical testing. Allele origin: germline.
Comment: This sequence change replaces leucine, which is neutral and non-polar, with valine, which is neutral and non-polar, at codon 1796 of the TSC2 protein (p.Leu1796Val). This variant is not present in population databases (gnomAD no frequency). This variant has not been reported in the literature in individuals affected with TSC2-related conditions. ClinVar contains an entry for this variant (Variation ID: 2454683). Invitae Evidence Modeling of protein sequence and biophysical properties (such as structural, functional, and spatial information, amino acid conservation, physicochemical variation, residue mobility, and thermodynamic stability) indicates that this missense variant is not expected to disrupt TSC2 protein function with a negative predictive value of 95%. In summary, the available evidence is currently insufficient to determine the role of this variant in disease. Therefore, it has been classified as a Variant of Uncertain Significance.

Ambry Genetics
Classification: Uncertain significance for Hereditary cancer-predisposing syndrome. Last evaluated: 2022-11-27. Review status: criteria provided, single submitter. Criteria: Ambry Variant Classification Scheme 2023. Collection method: clinical testing. Allele origin: germline.
Comment: The p.L1796V variant (also known as c.5386C>G), located in coding exon 41 of the TSC2 gene, results from a C to G substitution at nucleotide position 5386. The leucine at codon 1796 is replaced by valine, an amino acid with highly similar properties. This amino acid position is conserved. In addition, this alteration is predicted to be deleterious by in silico analysis. Since supporting evidence is limited at this time, the clinical significance of this alteration remains unclear.

NM_000548.5(TSC2):c.5386C>G (p.Leu1796Val)

Gene: TSC2 (TSC complex subunit 2; plus strand). Cytogenetic location: 16p13.3.
Variant type: single nucleotide variant.
Coding change: c.5386C>G on transcript NM_000548.5 (MANE Select); coding-DNA position 5386, C replaced by G.
Protein change: p.Leu1796Val; replaces leucine 1796 with valine.
Molecular consequence: missense variant. On other transcripts: non-coding transcript variant (5).
Genome position (GRCh38, 1-based): chr16:2,088,572, C>G. VCF-style: chr16-2088572-C-G. GRCh37 (hg19) VCF-style: chr16-2138573-C-G.
Other names: c.3973C>G, p.Leu1325Val (NM_001406689.1); c.5185C>G, p.Leu1729Val (NM_001077183.3); c.5317C>G, p.Leu1773Val (NM_001114382.3); c.5077C>G, p.Leu1693Val (NM_001318827.2); c.5041C>G, p.Leu1681Val (NM_001318829.2); c.4654C>G, p.Leu1552Val (NM_001318831.2); c.5218C>G, p.Leu1740Val (NM_001318832.2); c.5188C>G, p.Leu1730Val (NM_001363528.2); and 27 more; short protein forms L1282V, L1529V, L1572V, L1576V, L1693V, L1726V, L1730V, L1759V.
Identifiers: ClinVar variation 2454683 (VCV002454683.4), dbSNP rs45455398, ClinGen allele CA394316034.
Genomic context (GRCh38, chr16:2,088,572, plus strand): 5'-GCCCCTGCACAGACTCCAGCCGAGCCCACACCTGGCTATGAGGTGGGCCAGCGGAAGCGC[C>G]TCATCTCCTCGGTGGAGGACTTCACCGAGTTTGTGTGAGGCCGGGGCCCTCCCTCCTGCA-3'
Protein context (NP_000539.2, residues 1786-1806): PGYEVGQRKR[Leu1796Val]ISSVEDFTEF